The following is an entry in ClinVar:

ClinVar aggregate classification (germline): Likely pathogenic (1 of 4 stars; one submission).

Conditions:
Dilated cardiomyopathy 1G (CMD1G). Identifiers: Orphanet 154, MedGen C1858763, MONDO:0011400, OMIM 604145.

Submission:

KardioGenetik, Herz- und Diabeteszentrum NRW
Classification: Likely pathogenic for Dilated cardiomyopathy 1G. Last evaluated: 2024-08-27. Review status: criteria provided, single submitter. Criteria: ACMG Guidelines, 2015. Collection method: clinical testing. Allele origin: unknown. Affected: yes. Observed: 1 variant allele.
Comment: PVS1, PM2_supporting

NM_001267550.2(TTN):c.98722_98738del (p.Asp32908fs)

Genes: TTN-AS1 (TTN antisense RNA 1; plus strand), TTN (titin; minus strand). Cytogenetic location: 2q31.2.
Variant type: Deletion.
Coding change: c.98722_98738del on transcript NM_001267550.2 (MANE Select); coding-DNA positions 98722 to 98738, 17 bases deleted (GATGTAACCAAGAGTTC).
Protein change: p.Asp32908fs; shifts the reading frame from aspartic acid 32908.
Molecular consequence: frameshift variant. On other transcripts: non-coding transcript variant (1).
Genome position (GRCh38, 1-based): chr2:178,539,197-178,539,213, GAACTCTTGGTTACATC deleted on the plus strand (GATGTAACCAAGAGTTC on the coding strand, the reverse complement: TTN is on the minus strand); deleting any 17 consecutive bases within chr2:178,539,197-178,539,215 gives the same sequence; the c. name uses the placement nearest the transcript's 3' end. VCF-style (leftmost placement, unchanged base first): chr2-178539196-AGAACTCTTGGTTACATC-A. GRCh37 (hg19) VCF-style: chr2-179403923-AGAACTCTTGGTTACATC-A.
Other names: c.93799_93815del, p.Asp31267fs (NM_001256850.1); c.71527_71543del, p.Asp23843fs (NM_003319.4); c.91018_91034del, p.Asp30340fs (NM_133378.4); c.71902_71918del, p.Asp23968fs (NM_133432.3); c.72103_72119del, p.Asp24035fs (NM_133437.4); short protein forms D23843fs, D23968fs, D24035fs, D30340fs, D31267fs, D32908fs.
Identifiers: ClinVar variation 3362403 (VCV003362403.1).